The following is an entry in ClinVar:

ClinVar aggregate classification (germline): Benign (0 of 4 stars; one submission).

Conditions:
BMP5-related disorder. Also called: BMP5-related condition.

Allele frequency attached by ClinVar (database versions not stated): gnomAD exomes 0.00066; ExAC 0.00196; 1000 Genomes Project 30x 0.00203; 1000 Genomes Project 0.00220.
gnomAD v4.1: 963 of 1,362,090 alleles (0.071%); highest among the groups gnomAD compares: Admixed American, 1.7%; 10 homozygotes.

Submission:

PreventionGenetics, part of Exact Sciences
Classification: Benign for BMP5-related condition. Last evaluated: 2019-06-27. Review status: no assertion criteria provided. Collection method: clinical testing. Allele origin: germline.
Comment: This variant is classified as benign based on ACMG/AMP sequence variant interpretation guidelines (Richards et al. 2015 PMID: 25741868, with internal and published modifications).

NM_021073.4(BMP5):c.1131C>T (p.Tyr377=)

Gene: BMP5 (bone morphogenetic protein 5; minus strand). Cytogenetic location: 6p12.1.
Variant type: single nucleotide variant.
Coding change: c.1131C>T on transcript NM_021073.4 (MANE Select); coding-DNA position 1131, C replaced by T.
Protein change: p.Tyr377=; no amino-acid change (tyrosine 377 retained).
Molecular consequence: synonymous variant. On other transcripts: intron variant (2).
Genome position (GRCh38, 1-based): chr6:55,759,089, G>A on the plus strand (C>T on the coding strand, the complement: BMP5 is on the minus strand). VCF-style: chr6-55759089-G-A. GRCh37 (hg19) VCF-style: chr6-55623887-G-A.
Other names: c.1028-3407C>T (NM_001329756.2); c.1104+1368C>T (NM_001329754.2).
Identifiers: ClinVar variation 3042737 (VCV003042737.2), dbSNP rs184900087, ClinGen allele CA3864647.